The following is an entry in ClinVar:

NM_001363711.2(DUOX2):c.2726G>A (p.Arg909Gln)

Gene: DUOX2 (dual oxidase 2; minus strand). Cytogenetic location: 15q21.1.
Variant type: single nucleotide variant.
Coding change: c.2726G>A on transcript NM_001363711.2 (MANE Select); coding-DNA position 2726, G replaced by A.
Protein change: p.Arg909Gln; replaces arginine 909 with glutamine.
Molecular consequence: missense variant.
Genome position (GRCh38, 1-based): chr15:45,101,918, C>T on the plus strand (G>A on the coding strand, the complement: DUOX2 is on the minus strand). VCF-style: chr15-45101918-C-T. GRCh37 (hg19) VCF-style: chr15-45394116-C-T.
Other names: c.2726G>A, p.Arg909Gln (NM_014080.5); c.2726G>A (NM_014080.4); short protein forms R909Q.
Identifiers: ClinVar variation 2190739 (VCV002190739.4), dbSNP rs771789022, ClinGen allele CA7538161.
Genomic context (GRCh38, chr15:45,101,918, plus strand): 5'-CGCAGCATGAAGTGAAAATCCTCCCATGTCAGCTCCTCCTTGTCCTGGAATCCCGACTCC[C>T]GGAACATAGACTCCACCACCTCGGCCAGCTGGGCCTTGGACAGGCAGTTGTTGGAGATCT-3'
Protein context (NP_001350640.1, residues 899-919): QLAEVVESMF[Arg909Gln]ESGFQDKEEL

ClinVar aggregate classification (germline): Uncertain significance. Review status: criteria provided, multiple submitters, no conflicts (2 of 4 stars). 2 submissions from 2 submitters: Uncertain significance (2). Last evaluated 2025-10-15.

Conditions:
Inborn genetic diseases. Identifiers: MedGen C0950123, MeSH D030342.

Allele frequency attached by ClinVar (database versions not stated): gnomAD 0.00001; gnomAD exomes 0.00001; ExAC 0.00002; TOPMed 0.00002.
gnomAD v4.1: 16 of 1,614,090 alleles (0.00099%); highest among the groups gnomAD compares: East Asian, 0.0022%; no homozygotes.

Submissions (2):

Ambry Genetics
Classification: Uncertain significance for Inborn genetic diseases. Last evaluated: 2025-10-15. Review status: criteria provided, single submitter. Criteria: Ambry Variant Classification Scheme 2023. Collection method: clinical testing. Allele origin: germline.

Labcorp Genetics (formerly Invitae), Labcorp
Classification: Uncertain significance. Last evaluated: 2025-04-22. Review status: criteria provided, single submitter. Criteria: Invitae Variant Classification Sherloc (09022015). Collection method: clinical testing. Allele origin: germline.
Comment: This sequence change replaces arginine, which is basic and polar, with glutamine, which is neutral and polar, at codon 909 of the DUOX2 protein (p.Arg909Gln). This variant is present in population databases (rs771789022, gnomAD 0.02%). This variant has not been reported in the literature in individuals affected with DUOX2-related conditions. ClinVar contains an entry for this variant (Variation ID: 2190739). Invitae Evidence Modeling of protein sequence and biophysical properties (such as structural, functional, and spatial information, amino acid conservation, physicochemical variation, residue mobility, and thermodynamic stability) indicates that this missense variant is not expected to disrupt DUOX2 protein function with a negative predictive value of 80%. In summary, the available evidence is currently insufficient to determine the role of this variant in disease. Therefore, it has been classified as a Variant of Uncertain Significance.